The following is an entry in ClinVar:

ClinVar aggregate classification (germline): Uncertain significance. Review status: criteria provided, multiple submitters, no conflicts (2 of 4 stars). 2 submissions from 2 submitters: Uncertain significance (2). Last evaluated 2025-02-02.

Conditions:
Hereditary cancer-predisposing syndrome. Also called: Hereditary neoplastic syndrome; Neoplastic Syndromes, Hereditary; Tumor predisposition; Hereditary Cancer Syndrome. Identifiers: Orphanet 140162, MedGen C0027672, MeSH D009386, MONDO:0015356.
Gorlin syndrome. Also called: Nevoid Basal Cell Carcinoma Syndrome; Basal cell nevus syndrome. Identifiers: Orphanet 377, MedGen C0004779, MONDO:0007187.

Submissions (2):

Ambry Genetics
Classification: Uncertain significance for Hereditary cancer-predisposing syndrome. Last evaluated: 2025-02-02. Review status: criteria provided, single submitter. Criteria: Ambry Variant Classification Scheme 2023. Collection method: clinical testing. Allele origin: germline.
Comment: The p.A58G variant (also known as c.173C>G), located in coding exon 1 of the PTCH1 gene, results from a C to G substitution at nucleotide position 173. The alanine at codon 58 is replaced by glycine, an amino acid with similar properties. This amino acid position is conserved. In addition, the in silico prediction for this alteration is inconclusive. Based on the available evidence, the clinical significance of this variant remains unclear.

Labcorp Genetics (formerly Invitae), Labcorp
Classification: Uncertain significance for Gorlin syndrome. Last evaluated: 2021-07-14. Review status: criteria provided, single submitter. Criteria: Invitae Variant Classification Sherloc (09022015). Collection method: clinical testing. Allele origin: germline.
Comment: This sequence change replaces alanine with glycine at codon 58 of the PTCH1 protein (p.Ala58Gly). The alanine residue is moderately conserved and there is a small physicochemical difference between alanine and glycine. This variant is not present in population databases (ExAC no frequency). This variant has not been reported in the literature in individuals with PTCH1-related conditions. Algorithms developed to predict the effect of missense changes on protein structure and function are either unavailable or do not agree on the potential impact of this missense change (SIFT: "Deleterious"; PolyPhen-2: "Probably Damaging"; Align-GVGD: "Class C0"). In summary, the available evidence is currently insufficient to determine the role of this variant in disease. Therefore, it has been classified as a Variant of Uncertain Significance.

NM_000264.5(PTCH1):c.173C>G (p.Ala58Gly)

Gene: PTCH1 (patched 1; minus strand). Cytogenetic location: 9q22.32.
Variant type: single nucleotide variant.
Coding change: c.173C>G on transcript NM_000264.5 (MANE Select); coding-DNA position 173, C replaced by G.
Protein change: p.Ala58Gly; replaces alanine 58 with glycine.
Molecular consequence: missense variant. On other transcripts: non-coding transcript variant (1), intron variant (3).
Genome position (GRCh38, 1-based): chr9:95,508,189, G>C on the plus strand (C>G on the coding strand, the complement: PTCH1 is on the minus strand). VCF-style: chr9-95508189-G-C. GRCh37 (hg19) VCF-style: chr9-98270471-G-C.
Other names: c.173C>G (NM_000264.3); c.173C>G, p.Ala58Gly (NM_001354918.2); c.199-1590C>G (NM_001083603.3); c.4-1590C>G (NM_001083602.3, NM_001354919.2); short protein forms A58G.
Identifiers: ClinVar variation 1000775 (VCV001000775.10), dbSNP rs1587700281, ClinGen allele CA374121295.
Genomic context (GRCh38, chr9:95,508,189, plus strand): 5'-GAGAAAGTGGGAGGAGAGAGTCTGAAATGCACCTTGGAAATCTGCTCCAGAGCGAAGGCG[G>C]CGTCGCAGTAGCTGGGCCGGTGCAGATAGTCCCGGTCCGGCGCGGCAGCACGGCGCAGCC-3'
Protein context (NP_000255.2, residues 48-68): DYLHRPSYCD[Ala58Gly]AFALEQISKG